The following is an entry in ClinVar:

NM_000059.4(BRCA2):c.7723A>G (p.Thr2575Ala)

Gene: BRCA2 (BRCA2 DNA repair associated; plus strand). Cytogenetic location: 13q13.1.
Variant type: single nucleotide variant.
Coding change: c.7723A>G on transcript NM_000059.4 (MANE Select); coding-DNA position 7723, A replaced by G.
Protein change: p.Thr2575Ala; replaces threonine 2575 with alanine.
Molecular consequence: missense variant.
Genome position (GRCh38, 1-based): chr13:32,357,847, A>G. VCF-style: chr13-32357847-A-G. GRCh37 (hg19) VCF-style: chr13-32931984-A-G.
Other names: short protein forms T2575A.
Identifiers: ClinVar variation 418575 (VCV000418575.10), dbSNP rs1064793308, ClinGen allele CA16619767.

ClinVar aggregate classification (germline): Conflicting classifications of pathogenicity. Review status: criteria provided, conflicting classifications (1 of 4 stars). 4 submissions from 4 submitters: Uncertain significance (3); Likely benign (1). Last evaluated 2026-01-31.

Conditions:
Hereditary cancer-predisposing syndrome. Also called: Hereditary neoplastic syndrome; Tumor predisposition; Neoplastic Syndromes, Hereditary; Hereditary Cancer Syndrome. Identifiers: Orphanet 140162, MedGen C0027672, MeSH D009386, MONDO:0015356.
Hereditary breast ovarian cancer syndrome. Also called: Hereditary breast and ovarian cancer; Hereditary breast and/or ovarian cancer syndrome; Hereditary breast and ovarian cancer syndrome; Hereditary breast and ovarian cancer syndrome (HBOC); Breast and ovarian cancer; BRCA1- and BRCA2-Associated Hereditary Breast and Ovarian Cancer. Identifiers: Orphanet 145, MedGen C0677776, MeSH D061325, MONDO:0003582. Disease mechanism: loss of function.

Submissions (4):

Labcorp Genetics (formerly Invitae), Labcorp
Classification: Uncertain significance for Hereditary breast ovarian cancer syndrome. Last evaluated: 2026-01-31. Review status: criteria provided, single submitter. Criteria: Invitae Variant Classification Sherloc (09022015). Collection method: clinical testing. Allele origin: germline.
Comment: This sequence change replaces threonine, which is neutral and polar, with alanine, which is neutral and non-polar, at codon 2575 of the BRCA2 protein (p.Thr2575Ala). This variant is not present in population databases (gnomAD no frequency). This variant has not been reported in the literature in individuals affected with BRCA2-related conditions. ClinVar contains an entry for this variant (Variation ID: 418575). Invitae Evidence Modeling of protein sequence and biophysical properties (such as structural, functional, and spatial information, amino acid conservation, physicochemical variation, residue mobility, and thermodynamic stability) indicates that this missense variant is not expected to disrupt BRCA2 protein function with a negative predictive value of 95%. In summary, the available evidence is currently insufficient to determine the role of this variant in disease. Therefore, it has been classified as a Variant of Uncertain Significance.

Women's Health and Genetics/Laboratory Corporation of America, LabCorp
Classification: Uncertain significance. Last evaluated: 2020-08-13. Review status: criteria provided, single submitter. Criteria: LabCorp Variant Classification Summary - May 2015. Collection method: clinical testing. Allele origin: germline.
Comment: Variant summary: BRCA2 c.7723A>G (p.Thr2575Ala) results in a non-conservative amino acid change located in the Breast cancer type 2 susceptibility protein, helical domain (IPR015252) of the encoded protein sequence. Four of five in-silico tools predict a benign effect of the variant on protein function. The variant was absent in 251412 control chromosomes (gnomAD). The available data on variant occurrences in the general population are insufficient to allow any conclusion about variant significance. To our knowledge, no occurrence of c.7723A>G in individuals affected with Hereditary Breast And Ovarian Cancer Syndrome and no experimental evidence demonstrating its impact on protein function have been reported. One ClinVar submitter (evaluation after 2014) cites the variant as uncertain significance. Based on the evidence outlined above, the variant was classified as uncertain significance.

Ambry Genetics
Classification: Likely benign for Hereditary cancer-predisposing syndrome. Last evaluated: 2020-02-27. Review status: criteria provided, single submitter. Criteria: Ambry Variant Classification Scheme 2023. Collection method: clinical testing. Allele origin: germline.

GeneDx
Classification: Uncertain significance. Last evaluated: 2017-02-22. Review status: criteria provided, single submitter. Criteria: GeneDx Variant Classification (06012015). Collection method: clinical testing. Allele origin: germline. Affected: yes.
Comment: This variant is denoted BRCA2 c.7723A>G at the cDNA level, p.Thr2575Ala (T2575A) at the protein level, and results in the change of a Threonine to an Alanine (ACT>GCT). Using alternate nomenclature, this variant would be defined as BRCA2 7951A>G. This variant has not, to our knowledge, been published in the literature as pathogenic or benign. BRCA2 Thr2575Ala was not observed in approximately 6,500 individuals of European and African American ancestry in the NHLBI Exome Sequencing Project, suggesting it is not a common benign variant in these populations. Since Threonine and Alanine differ in polarity, charge, size or other properties, this is considered a non-conservative amino acid substitution. BRCA2 Thr2575Ala occurs at a position that is not conserved and is located within the DNA binding domain (Yang 2002). In silico analyses predict that this variant is unlikely to alter protein structure or function. Based on currently available evidence, it is unclear whether BRCA2 Thr2575Ala is a pathogenic or benign variant. We consider it to be a variant of uncertain significance.